The following is an entry in ClinVar:

NM_001378418.1(TCF20):c.5144G>A (p.Arg1715Gln)

Gene: TCF20 (transcription factor 20; minus strand). Cytogenetic location: 22q13.2.
Variant type: single nucleotide variant.
Coding change: c.5144G>A on transcript NM_001378418.1 (MANE Select); coding-DNA position 5144, G replaced by A.
Protein change: p.Arg1715Gln; replaces arginine 1715 with glutamine.
Molecular consequence: missense variant.
Genome position (GRCh38, 1-based): chr22:42,210,162, C>T on the plus strand (G>A on the coding strand, the complement: TCF20 is on the minus strand). VCF-style: chr22-42210162-C-T. GRCh37 (hg19) VCF-style: chr22-42606168-C-T.
Other names: c.5144G>A, p.Arg1715Gln (NM_005650.4, NM_181492.3); c.5144G>A (NM_005650.1); short protein forms R1715Q.
Identifiers: ClinVar variation 2033973 (VCV002033973.5), dbSNP rs765119165, ClinGen allele CA10266530.

ClinVar aggregate classification (germline): Uncertain significance. Review status: criteria provided, multiple submitters, no conflicts (2 of 4 stars). 2 submissions from 2 submitters: Uncertain significance (2). Last evaluated 2025-02-10.

Conditions:
Inborn genetic diseases. Identifiers: MedGen C0950123, MeSH D030342.

Allele frequency attached by ClinVar (database versions not stated): gnomAD exomes below 0.00001; ExAC 0.00001; gnomAD 0.00003.
gnomAD v4.1: 7 of 1,614,044 alleles (0.00043%); highest among the groups gnomAD compares: Admixed American, 0.0033%; no homozygotes.

Submissions (2):

Labcorp Genetics (formerly Invitae), Labcorp
Classification: Uncertain significance. Last evaluated: 2025-02-10. Review status: criteria provided, single submitter. Criteria: Invitae Variant Classification Sherloc (09022015). Collection method: clinical testing. Allele origin: germline.
Comment: This sequence change replaces arginine, which is basic and polar, with glutamine, which is neutral and polar, at codon 1715 of the TCF20 protein (p.Arg1715Gln). The frequency data for this variant in the population databases is considered unreliable, as metrics indicate poor data quality at this position in the gnomAD database. This variant has not been reported in the literature in individuals affected with TCF20-related conditions. ClinVar contains an entry for this variant (Variation ID: 2033973). An algorithm developed to predict the effect of missense changes on protein structure and function (PolyPhen-2) suggests that this variant is likely to be disruptive. In summary, the available evidence is currently insufficient to determine the role of this variant in disease. Therefore, it has been classified as a Variant of Uncertain Significance.

Ambry Genetics
Classification: Uncertain significance for Inborn genetic diseases. Last evaluated: 2024-06-11. Review status: criteria provided, single submitter. Criteria: Ambry Variant Classification Scheme 2023. Collection method: clinical testing. Allele origin: germline.